The following is an entry in ClinVar:

NM_001127208.3(TET2):c.621G>A (p.Met207Ile)

Genes: TET2 (tet methylcytosine dioxygenase 2; plus strand), TET2-AS1 (TET2 antisense RNA 1; minus strand). Cytogenetic location: 4q24.
Variant type: single nucleotide variant.
Coding change: c.621G>A on transcript NM_001127208.3 (MANE Select); coding-DNA position 621, G replaced by A.
Protein change: p.Met207Ile; replaces methionine 207 with isoleucine.
Molecular consequence: missense variant.
Genome position (GRCh38, 1-based): chr4:105,234,563, G>A. VCF-style: chr4-105234563-G-A. GRCh37 (hg19) VCF-style: chr4-106155720-G-A.
Other names: c.621G>A, p.Met207Ile (NM_017628.4); short protein forms M207I.
Identifiers: ClinVar variation 3726526 (VCV003726526.2).

ClinVar aggregate classification (germline): Uncertain significance (1 of 4 stars; one submission).

Submission:

Labcorp Genetics (formerly Invitae), Labcorp
Classification: Uncertain significance. Last evaluated: 2024-12-03. Review status: criteria provided, single submitter. Criteria: Invitae Variant Classification Sherloc (09022015). Collection method: clinical testing. Allele origin: germline.
Comment: This sequence change replaces methionine, which is neutral and non-polar, with isoleucine, which is neutral and non-polar, at codon 207 of the TET2 protein (p.Met207Ile). This variant is not present in population databases (gnomAD no frequency). This variant has not been reported in the literature in individuals affected with TET2-related conditions. An algorithm developed to predict the effect of missense changes on protein structure and function outputs the following: PolyPhen-2: "Benign". The isoleucine amino acid residue is found in multiple mammalian species, which suggests that this missense change does not adversely affect protein function. In summary, the available evidence is currently insufficient to determine the role of this variant in disease. Therefore, it has been classified as a Variant of Uncertain Significance.